The following is an entry in ClinVar:

NM_006244.4(PPP2R5B):c.310C>T (p.Arg104Trp)

Gene: PPP2R5B (protein phosphatase 2 regulatory subunit B'beta; plus strand). Cytogenetic location: 11q13.1.
Variant type: single nucleotide variant.
Coding change: c.310C>T on transcript NM_006244.4 (MANE Select); coding-DNA position 310, C replaced by T.
Protein change: p.Arg104Trp; replaces arginine 104 with tryptophan.
Molecular consequence: missense variant.
Genome position (GRCh38, 1-based): chr11:64,926,822, C>T. VCF-style: chr11-64926822-C-T. GRCh37 (hg19) VCF-style: chr11-64694294-C-T.
Other names: short protein forms R104W.
Identifiers: ClinVar variation 2797510 (VCV002797510.3), dbSNP rs1945169511, ClinGen allele CA381199014.
Genomic context (GRCh38, chr11:64,926,822, plus strand): 5'-TGTGGGGTGATGTTTGACTTCTTGGACTGTGTGGCCGACCTCAAGGGGAAGGAGGTGAAG[C>T]GGGCAGCCCTCAACGAGCTGGTGGAGTGTGTGGGGAGCACCCGGGGTGTCCTCATCGAGC-3'
Protein context (NP_006235.1, residues 94-114): VADLKGKEVK[Arg104Trp]AALNELVECV

ClinVar aggregate classification (germline): Uncertain significance (1 of 4 stars; one submission).

Allele frequency attached by ClinVar (database versions not stated): gnomAD exomes below 0.00001; gnomAD 0.00001.
gnomAD v4.1: 6 of 1,614,054 alleles (0.00037%); highest among the groups gnomAD compares: South Asian, 0.0022%; no homozygotes.

Submission:

Labcorp Genetics (formerly Invitae), Labcorp
Classification: Uncertain significance. Last evaluated: 2023-09-22. Review status: criteria provided, single submitter. Criteria: Invitae Variant Classification Sherloc (09022015). Collection method: clinical testing. Allele origin: germline.
Comment: In summary, the available evidence is currently insufficient to determine the role of this variant in disease. Therefore, it has been classified as a Variant of Uncertain Significance. Advanced modeling of protein sequence and biophysical properties (such as structural, functional, and spatial information, amino acid conservation, physicochemical variation, residue mobility, and thermodynamic stability) performed at Invitae indicates that this missense variant is expected to disrupt PPP2R5B protein function. This variant has not been reported in the literature in individuals affected with PPP2R5B-related conditions. This variant is not present in population databases (gnomAD no frequency). This sequence change replaces arginine, which is basic and polar, with tryptophan, which is neutral and slightly polar, at codon 104 of the PPP2R5B protein (p.Arg104Trp).